The following is an entry in ClinVar:

ClinVar aggregate classification (germline): Conflicting classifications of pathogenicity. Review status: criteria provided, conflicting classifications (1 of 4 stars). 14 submissions from 13 submitters: Uncertain significance (12); Likely benign (2). Last evaluated 2026-07-01.

Conditions:
Inborn genetic diseases. Identifiers: MedGen C0950123, MeSH D030342.
Charcot-Marie-Tooth disease, axonal, with vocal cord paresis, autosomal recessive. Also called: CHARCOT-MARIE-TOOTH DISEASE, TYPE 4A, AXONAL FORM; CHARCOT-MARIE-TOOTH NEUROPATHY, AXONAL, WITH VOCAL CORD PARESIS, AUTOSOMAL RECESSIVE; CMT2 WITH VOCAL CORD PARESIS, AUTOSOMAL RECESSIVE. Identifiers: Orphanet 101097, MedGen C1843183, MONDO:0011898, OMIM 607706.
Charcot-Marie-Tooth disease recessive intermediate A (CMTRIA). Also called: CHARCOT-MARIE-TOOTH NEUROPATHY, RECESSIVE INTERMEDIATE A. Identifiers: Orphanet 217055, MedGen C1842197, MONDO:0012014, OMIM 608340.
Charcot-Marie-Tooth disease axonal type 2K (CMT2K). Also called: CHARCOT-MARIE-TOOTH DISEASE, AXONAL, AUTOSOMAL RECESSIVE, TYPE 2K; CHARCOT-MARIE-TOOTH NEUROPATHY, AXONAL, TYPE 2K; Charcot-Marie-Tooth disease type 2K. Identifiers: Orphanet 101097, Orphanet 99944, MedGen C1842983, MONDO:0011916, OMIM 607831.
Charcot-Marie-Tooth disease type 4A. Also called: Charcot-Marie-Tooth disease, demyelinating, autosomal recessive, type 4a. Identifiers: Orphanet 99948, MedGen C1859198, MONDO:0008961, OMIM 214400.
GDAP1-related disorder. Also called: GDAP1-related condition; GDAP1-related disorders.

Allele frequency attached by ClinVar (database versions not stated): gnomAD exomes 0.00033 and 0.00081; ExAC 0.00035; 1000 Genomes Project 0.00040; gnomAD 0.00040 and 0.00042; TOPMed 0.00046; 1000 Genomes Project 30x 0.00047; ESP Exome Variant Server 0.00077.
gnomAD v4.1: 1,207 of 1,598,174 alleles (0.076%); highest among the groups gnomAD compares: Non-Finnish European, 0.099%; 1 homozygote.

Submissions (14):

CeGaT Center for Human Genetics Tuebingen
Classification: Uncertain significance. Last evaluated: 2026-07-01. Review status: criteria provided, single submitter. Criteria: CeGaT Center For Human Genetics Tuebingen Variant Classification Criteria Version 2. Collection method: clinical testing. Allele origin: germline. Affected: yes. Observed: 6 variant alleles.

Labcorp Genetics (formerly Invitae), Labcorp
Classification: Uncertain significance for Charcot-Marie-Tooth disease type 4A. Last evaluated: 2026-01-21. Review status: criteria provided, single submitter. Criteria: Invitae Variant Classification Sherloc (09022015). Collection method: clinical testing. Allele origin: germline.
Comment: This sequence change replaces isoleucine, which is neutral and non-polar, with valine, which is neutral and non-polar, at codon 186 of the GDAP1 protein (p.Ile186Val). This variant is present in population databases (rs148508128, gnomAD 0.06%). This missense change has been observed in individual(s) with clinical features of Charcot-Marie-Tooth disease (PMID: 32376792). ClinVar contains an entry for this variant (Variation ID: 216707). Invitae Evidence Modeling of protein sequence and biophysical properties (such as structural, functional, and spatial information, amino acid conservation, physicochemical variation, residue mobility, and thermodynamic stability) indicates that this missense variant is not expected to disrupt GDAP1 protein function with a negative predictive value of 80%. In summary, the available evidence is currently insufficient to determine the role of this variant in disease. Therefore, it has been classified as a Variant of Uncertain Significance.

PreventionGenetics, part of Exact Sciences
Classification: Likely benign for GDAP1-related condition. Last evaluated: 2025-12-10. Review status: criteria provided, single submitter. Criteria: ACMG Guidelines, 2015. Collection method: clinical testing. Allele origin: germline.
Comment: This variant is classified as likely benign based on ACMG/AMP sequence variant interpretation guidelines (Richards et al. 2015 PMID: 25741868, with internal and published modifications).

Mayo Clinic Laboratories, Mayo Clinic
Classification: Uncertain significance. Last evaluated: 2025-08-11. Review status: criteria provided, single submitter. Criteria: ACMG Guidelines, 2015. Collection method: clinical testing. Allele origin: germline. Observed: 3 variant alleles.

GeneDx
Classification: Uncertain significance. Last evaluated: 2024-12-03. Review status: criteria provided, single submitter. Criteria: GeneDx Variant Classification Process June 2021. Collection method: clinical testing. Allele origin: germline. Affected: yes.
Comment: Reported previously as a variant of uncertain significance in two patients with a clinical diagnosis of Charcot-Marie-Tooth disease; however, clinical and segregation information was not provided (PMID: 32376792); In silico analysis indicates that this missense variant does not alter protein structure/function; This variant is associated with the following publications: (PMID: 20849849, 32376792)

Blueprint Genetics
Classification: Uncertain significance. Last evaluated: 2024-11-12. Review status: criteria provided, single submitter. Criteria: ACMG Guidelines, 2015. Collection method: clinical testing. Allele origin: germline.

Revvity Omics, Revvity
Classification: Uncertain significance. Last evaluated: 2024-10-15. Review status: criteria provided, single submitter. Criteria: ACMG Guidelines, 2015. Collection method: clinical testing. Allele origin: germline.

Athena Diagnostics
Classification: Likely benign. Last evaluated: 2024-06-27. Review status: criteria provided, single submitter. Criteria: Athena Diagnostics Criteria. Collection method: clinical testing. Allele origin: unknown.

ARUP Laboratories, Molecular Genetics and Genomics, ARUP Laboratories
Classification: Uncertain significance. Last evaluated: 2023-09-11. Review status: criteria provided, single submitter. Criteria: ARUP Molecular Germline Variant Investigation Process 2024. Collection method: clinical testing. Allele origin: germline.
Comment: The GDAP1 c.556A>G; p.Ile186Val variant (rs148508128) is reported in the literature in individuals with suspected CMT, but without evidence for pathogenicity (Volodarsky 2021). This variant is reported in ClinVar (Variation ID: 216707) and is found in the non-Finnish European population with an allele frequency of 0.06% (73/129024 alleles) in the Genome Aggregation Database. Computational analyses are uncertain whether this variant is neutral or deleterious (REVEL: 0.354). Due to limited information, the clinical significance of the p.Ile186Val variant is uncertain at this time. References: Volodarsky M et al. Comprehensive genetic sequence and copy number analysis for Charcot-Marie-Tooth disease in a Canadian cohort of 2517 patients. J Med Genet. 2021 Apr;58(4):284-288. PMID: 32376792.

Ambry Genetics
Classification: Uncertain significance for Inborn genetic diseases. Last evaluated: 2023-01-03. Review status: criteria provided, single submitter. Criteria: Ambry Variant Classification Scheme 2023. Collection method: clinical testing. Allele origin: germline.
Comment: Unlikely to be causative of GDAP1-related Charcot-Marie-Tooth disease, type 2 (AD) Based on insufficient or conflicting evidence, the clinical significance of this alteration remains unclear.

Greenwood Genetic Center Diagnostic Laboratories, Greenwood Genetic Center
Classification: Uncertain significance. Last evaluated: 2022-06-01. Review status: criteria provided, single submitter. Criteria: ACMG Guidelines, 2015. Collection method: clinical testing. Allele origin: germline. Affected: yes.
Comment: No Applicable ACMG Criteria

Fulgent Genetics
Classification: Uncertain significance for Charcot-Marie-Tooth disease type 4A; Charcot-Marie-Tooth disease, axonal, with vocal cord paresis, autosomal recessive; Charcot-Marie-Tooth disease axonal type 2K; Charcot-Marie-Tooth disease recessive intermediate A. Last evaluated: 2021-11-17. Review status: criteria provided, single submitter. Criteria: ACMG Guidelines, 2015. Collection method: clinical testing. Allele origin: unknown.

Illumina Laboratory Services, Illumina
Classification: Uncertain significance for Charcot-Marie-Tooth disease recessive intermediate A. Last evaluated: 2018-01-13. Review status: criteria provided, single submitter. Criteria: ICSL Variant Classification Criteria 13 December 2019. Collection method: clinical testing. Allele origin: germline.

Illumina Laboratory Services, Illumina
Classification: Uncertain significance for Charcot-Marie-Tooth disease, axonal, with vocal cord paresis, autosomal recessive. Last evaluated: 2018-01-13. Review status: criteria provided, single submitter. Criteria: ICSL Variant Classification Criteria 13 December 2019. Collection method: clinical testing. Allele origin: germline.

Literature cited by the submitters: PubMed 32376792 (cited by 4 submitters); PubMed 38871447 (cited by Mayo Clinic Laboratories, Mayo Clinic).

NM_018972.4(GDAP1):c.556A>G (p.Ile186Val)

Gene: GDAP1 (ganglioside induced differentiation associated protein 1; plus strand). Cytogenetic location: 8q21.11.
Variant type: single nucleotide variant.
Coding change: c.556A>G on transcript NM_018972.4 (MANE Select); coding-DNA position 556, A replaced by G.
Protein change: p.Ile186Val; replaces isoleucine 186 with valine.
Molecular consequence: missense variant.
Genome position (GRCh38, 1-based): chr8:74,361,955, A>G. VCF-style: chr8-74361955-A-G. GRCh37 (hg19) VCF-style: chr8-75274190-A-G.
Other names: c.352A>G, p.Ile118Val (NM_001040875.4); c.229A>G, p.Ile77Val (NM_001362929.2, NM_001362932.2); c.382A>G, p.Ile128Val (NM_001362930.2); c.556A>G, p.Ile186Val (NM_001362931.2); short protein forms I186V, I118V, I128V, I77V.
Identifiers: ClinVar variation 216707 (VCV000216707.72), dbSNP rs148508128, ClinGen allele CA339304.
Genomic context (GRCh38, chr8:74,361,955, plus strand): 5'-AACACAGAGTCTGAGCTGAAGAAACTTGCTGAAGAAAACCCAGATTTACAAGAAGCATAC[A>G]TTGCAAAACAGAAACGACTTAAAGTAAGCCAATCAGCTGTCCTCAGTTGACATACACTGC-3'
Protein context (NP_061845.2, residues 176-196): EENPDLQEAY[Ile186Val]AKQKRLKSKL